The following is an entry in ClinVar:

ClinVar aggregate classification (germline): Uncertain significance (1 of 4 stars; one submission).

Conditions:
Inborn genetic diseases. Identifiers: MedGen C0950123, MeSH D030342.

gnomAD v4.1: 6 of 1,610,980 alleles (0.00037%); highest among the groups gnomAD compares: Admixed American, 0.0067%; no homozygotes.

Submission:

Ambry Genetics
Classification: Uncertain significance for Inborn genetic diseases. Last evaluated: 2024-12-08. Review status: criteria provided, single submitter. Criteria: Ambry Variant Classification Scheme 2023. Collection method: clinical testing. Allele origin: germline.
Comment: The p.Q1207R variant (also known as c.3620A>G), located in coding exon 24 of the ANKRD26 gene, results from an A to G substitution at nucleotide position 3620. The glutamine at codon 1207 is replaced by arginine, an amino acid with highly similar properties. This amino acid position is conserved. In addition, this alteration is predicted to be tolerated by in silico analysis. Based on the available evidence, the clinical significance of this variant remains unclear.

NM_014915.3(ANKRD26):c.3620A>G (p.Gln1207Arg)

Gene: ANKRD26 (ankyrin repeat domain containing 26; minus strand). Cytogenetic location: 10p12.1.
Variant type: single nucleotide variant.
Coding change: c.3620A>G on transcript NM_014915.3 (MANE Select); coding-DNA position 3620, A replaced by G.
Protein change: p.Gln1207Arg; replaces glutamine 1207 with arginine.
Molecular consequence: missense variant.
Genome position (GRCh38, 1-based): chr10:27,034,830, T>C on the plus strand (A>G on the coding strand, the complement: ANKRD26 is on the minus strand). VCF-style: chr10-27034830-T-C. GRCh37 (hg19) VCF-style: chr10-27323759-T-C.
Other names: c.3617A>G, p.Gln1206Arg (NM_001256053.2); short protein forms Q1206R, Q1207R.
Identifiers: ClinVar variation 3397275 (VCV003397275.1).
Genomic context (GRCh38, chr10:27,034,830, plus strand): 5'-AAATATTTATCTTTCTTGATACTTACTTCTCTTTCTGCCTTTTCATTTTCATATTGATAC[T>C]GTCTTTCTTTTAAGTGATTACATTCACTGATTAACTCCTTATTTCTTTCTTCTAGCAGAA-3'
Protein context (NP_055730.2, residues 1197-1217): ISECNHLKER[Gln1207Arg]YQYENEKAER